The following is an entry in ClinVar:

NM_001008537.3(NEXMIF):c.1904G>C (p.Arg635Thr)

Gene: NEXMIF (neurite extension and migration factor; minus strand). Cytogenetic location: Xq13.3.
Variant type: single nucleotide variant.
Coding change: c.1904G>C on transcript NM_001008537.3 (MANE Select); coding-DNA position 1904, G replaced by C.
Protein change: p.Arg635Thr; replaces arginine 635 with threonine.
Molecular consequence: missense variant.
Genome position (GRCh38, 1-based): chrX:74,742,653, C>G on the plus strand (G>C on the coding strand, the complement: NEXMIF is on the minus strand). VCF-style: chrX-74742653-C-G. GRCh37 (hg19) VCF-style: chrX-73962488-C-G.
Other names: short protein forms R635T.
Identifiers: ClinVar variation 474057 (VCV000474057.10), dbSNP rs766086192, ClinGen allele CA10455088.
Genomic context (GRCh38, chrX:74,742,653, plus strand): 5'-AATGAAATCTGTTTACTACTTGCTGAAATTTCAATGGATGGGATTCTTTGAATCCTGTGC[C>G]TGTTGCCAAGTTTAGATTTTCGTTTGCGAGCAGGTGGCAGAAATGACACCTCAAAGCTAC-3'
Protein context (NP_001008537.1, residues 625-645): ARKRKSKLGN[Arg635Thr]HRIQRIPSIE

ClinVar aggregate classification (germline): Uncertain significance (1 of 4 stars; one submission).

Allele frequency attached by ClinVar (database versions not stated): gnomAD exomes 0.00001 and 0.00004; TOPMed 0.00001; ExAC 0.00001.
gnomAD v4.1: 42 of 1,211,382 alleles (0.0035%); highest among the groups gnomAD compares: Non-Finnish European, 0.0046%; no homozygotes.

Submission:

Labcorp Genetics (formerly Invitae), Labcorp
Classification: Uncertain significance. Last evaluated: 2020-02-21. Review status: criteria provided, single submitter. Criteria: Invitae Variant Classification Sherloc (09022015). Collection method: clinical testing. Allele origin: germline.
Comment: This sequence change replaces arginine with threonine at codon 635 of the KIAA2022 protein (p.Arg635Thr). The arginine residue is highly conserved and there is a moderate physicochemical difference between arginine and threonine. This variant is present in population databases (rs766086192, ExAC 0.002%). This variant has been reported in the literature in an individuals with the abnormality of nervous system (PMID: 26633542). Algorithms developed to predict the effect of missense changes on protein structure and function (SIFT, PolyPhen-2, Align-GVGD) all suggest that this variant is likely to be disruptive, but these predictions have not been confirmed by published functional studies and their clinical significance is uncertain. In summary, the available evidence is currently insufficient to determine the role of this variant in disease. Therefore, it has been classified as a Variant of Uncertain Significance.

Literature cited by the submitters: PubMed 26633542.